The following is an entry in ClinVar:

ClinVar aggregate classification (germline): Uncertain significance (1 of 4 stars; one submission).

Conditions:
Charcot-Marie-Tooth disease type 2. Also called: Charcot-Marie-Tooth type 2. Identifiers: Orphanet 64746, MedGen C0270914, MONDO:0018993.

Submission:

Labcorp Genetics (formerly Invitae), Labcorp
Classification: Uncertain significance for Charcot-Marie-Tooth disease type 2. Last evaluated: 2022-05-21. Review status: criteria provided, single submitter. Criteria: Invitae Variant Classification Sherloc (09022015). Collection method: clinical testing. Allele origin: germline.
Comment: This variant is not present in population databases (gnomAD no frequency). This variant has not been reported in the literature in individuals affected with MFN2-related conditions. Algorithms developed to predict the effect of missense changes on protein structure and function (SIFT, PolyPhen-2, Align-GVGD) all suggest that this variant is likely to be tolerated. In summary, the available evidence is currently insufficient to determine the role of this variant in disease. Therefore, it has been classified as a Variant of Uncertain Significance. This sequence change replaces serine, which is neutral and polar, with arginine, which is basic and polar, at codon 585 of the MFN2 protein (p.Ser585Arg).

NM_014874.4(MFN2):c.1753A>C (p.Ser585Arg)

Gene: MFN2 (mitofusin 2; plus strand). Cytogenetic location: 1p36.22.
Variant type: single nucleotide variant.
Coding change: c.1753A>C on transcript NM_014874.4 (MANE Select); coding-DNA position 1753, A replaced by C.
Protein change: p.Ser585Arg; replaces serine 585 with arginine.
Molecular consequence: missense variant.
Genome position (GRCh38, 1-based): chr1:12,006,574, A>C. VCF-style: chr1-12006574-A-C. GRCh37 (hg19) VCF-style: chr1-12066631-A-C.
Other names: c.1753A>C, p.Ser585Arg (NM_001127660.2); short protein forms S585R.
Identifiers: ClinVar variation 1997317 (VCV001997317.4), dbSNP rs1639427922, ClinGen allele CA338448472.